The following is an entry in ClinVar:

ClinVar aggregate classification (germline): Uncertain significance (1 of 4 stars; one submission).

Allele frequency attached by ClinVar (database versions not stated): gnomAD exomes below 0.00001.
gnomAD v4.1: 1 of 1,510,534 alleles (0.000066%); highest among the groups gnomAD compares: Non-Finnish European, 0.000088%; no homozygotes.

Submission:

Labcorp Genetics (formerly Invitae), Labcorp
Classification: Uncertain significance. Last evaluated: 2023-12-13. Review status: criteria provided, single submitter. Criteria: Invitae Variant Classification Sherloc (09022015). Collection method: clinical testing. Allele origin: germline.
Comment: This sequence change falls in intron 5 of the TRIM8 gene. It does not directly change the encoded amino acid sequence of the TRIM8 protein. It affects a nucleotide within the consensus splice site. This variant is not present in population databases (gnomAD no frequency). This variant has not been reported in the literature in individuals affected with TRIM8-related conditions. Variants that disrupt the consensus splice site are a relatively common cause of aberrant splicing (PMID: 17576681, 9536098). Algorithms developed to predict the effect of sequence changes on RNA splicing suggest that this variant may disrupt the consensus splice site. In summary, the available evidence is currently insufficient to determine the role of this variant in disease. Therefore, it has been classified as a Variant of Uncertain Significance.

Literature cited by the submitters: PubMed 17576681; PubMed 9536098.

NM_030912.3(TRIM8):c.1049-3C>G

Gene: TRIM8 (tripartite motif containing 8; plus strand). Cytogenetic location: 10q24.32.
Variant type: single nucleotide variant.
Coding change: c.1049-3C>G on transcript NM_030912.3 (MANE Select); 3 bases into the intron before coding-DNA position 1049, C replaced by G.
Molecular consequence: intron variant.
Genome position (GRCh38, 1-based): chr10:102,656,744, C>G. VCF-style: chr10-102656744-C-G. GRCh37 (hg19) VCF-style: chr10-104416501-C-G.
Other names: c.953-3C>G (NM_001345950.1).
Identifiers: ClinVar variation 2702644 (VCV002702644.3), dbSNP rs2492914763, ClinGen allele CA2610706375.